The following is an entry in ClinVar:

NM_183357.3(ADCY5):c.3478G>C (p.Asp1160His)

Gene: ADCY5 (adenylate cyclase 5; minus strand). Cytogenetic location: 3q21.1.
Variant type: single nucleotide variant.
Coding change: c.3478G>C on transcript NM_183357.3 (MANE Select); coding-DNA position 3478, G replaced by C.
Protein change: p.Asp1160His; replaces aspartic acid 1160 with histidine.
Molecular consequence: missense variant.
Genome position (GRCh38, 1-based): chr3:123,289,804, C>G on the plus strand (G>C on the coding strand, the complement: ADCY5 is on the minus strand). VCF-style: chr3-123289804-C-G. GRCh37 (hg19) VCF-style: chr3-123008651-C-G.
Other names: c.2428G>C, p.Asp810His (NM_001199642.1); c.3553G>C, p.Asp1185His (NM_001378259.1); short protein forms D1185H, D810H, D1160H.
Identifiers: ClinVar variation 4569368 (VCV004569368.1).

ClinVar aggregate classification (germline): Uncertain significance (1 of 4 stars; one submission).

Conditions:
Inborn genetic diseases. Identifiers: MedGen C0950123, MeSH D030342.

gnomAD v4.1: 6 of 1,614,108 alleles (0.00037%); highest among the groups gnomAD compares: Non-Finnish European, 0.00051%; no homozygotes.

Submission:

Ambry Genetics
Classification: Uncertain significance for Inborn genetic diseases. Last evaluated: 2025-12-11. Review status: criteria provided, single submitter. Criteria: Ambry Variant Classification Scheme 2023. Collection method: clinical testing. Allele origin: germline.
Comment: The c.3478G>C (p.D1160H) alteration is located in exon 19 (coding exon 19) of the ADCY5 gene. This alteration results from a G to C substitution at nucleotide position 3478, causing the aspartic acid (D) at amino acid position 1160 to be replaced by a histidine (H). Based on data from gnomAD, the C allele has an overall frequency of <0.001% (1/251494) total alleles studied. The highest observed frequency was 0.001% (1/113770) of European (non-Finnish) alleles. Based on insufficient or conflicting evidence, the clinical significance of this alteration remains unclear.